The following is an entry in ClinVar:

ClinVar aggregate classification (germline): Pathogenic/Likely pathogenic. Review status: criteria provided, multiple submitters, no conflicts (2 of 4 stars). 4 submissions from 4 submitters: Pathogenic (2); Likely pathogenic (1). 1 of the submissions does not count toward it. Last evaluated 2023-05-20.

Conditions:
Uterine corpus cancer. Identifiers: MedGen CN277893, MONDO:0006003.
Familial cancer of breast. Also called: hereditary breast carcinoma; BREAST CANCER, FAMILIAL; Hereditary breast cancer. Identifiers: Orphanet 227535, MedGen C0346153, MONDO:0016419, OMIM 114480. Disease mechanism: loss of function.
Hereditary cancer-predisposing syndrome. Also called: Tumor predisposition; Neoplastic Syndromes, Hereditary; Hereditary neoplastic syndrome; Hereditary Cancer Syndrome. Identifiers: Orphanet 140162, MedGen C0027672, MeSH D009386, MONDO:0015356.

Submissions (4):

Labcorp Genetics (formerly Invitae), Labcorp
Classification: Pathogenic for Familial cancer of breast. Last evaluated: 2023-05-20. Review status: criteria provided, single submitter. Criteria: Invitae Variant Classification Sherloc (09022015). Collection method: clinical testing. Allele origin: germline.
Comment: ClinVar contains an entry for this variant (Variation ID: 632930). For these reasons, this variant has been classified as Pathogenic. This variant has not been reported in the literature in individuals affected with PALB2-related conditions. This sequence change creates a premature translational stop signal (p.Ser254*) in the PALB2 gene. It is expected to result in an absent or disrupted protein product. Loss-of-function variants in PALB2 are known to be pathogenic (PMID: 17200668, 17200671, 17200672, 24136930, 25099575). This variant is not present in population databases (gnomAD no frequency).

Ambry Genetics
Classification: Pathogenic for Hereditary cancer-predisposing syndrome. Last evaluated: 2018-07-12. Review status: criteria provided, single submitter. Criteria: Ambry Variant Classification Scheme 2023. Collection method: clinical testing. Allele origin: germline.
Comment: The p.S254* pathogenic mutation (also known as c.761C>G), located in coding exon 4 of the PALB2 gene, results from a C to G substitution at nucleotide position 761. This changes the amino acid from a serine to a stop codon within coding exon 4. This alteration is expected to result in loss of function by premature protein truncation or nonsense-mediated mRNA decay. As such, this alteration is interpreted as a disease-causing mutation.

Women's Health and Genetics/Laboratory Corporation of America, LabCorp
Classification: Likely pathogenic for Familial cancer of breast. Last evaluated: 2017-12-04. Review status: criteria provided, single submitter. Criteria: LabCorp Variant Classification Summary - May 2015. Collection method: clinical testing. Allele origin: germline.
Comment: Variant summary: The PALB2 c.761C>G (p.Ser254*) variant results in a premature termination codon, predicted to cause a truncated or absent PALB2 protein due to nonsense mediated decay, which are commonly known mechanisms for disease. Truncations downstream of this position have been classified as pathogenic by our laboratory (e.g.c.1240C>T/p.Arg414X, c.2167_2168delAT/p.Met723fsX21). One in silico tool predicts a damaging outcome for this variant. This variant is absent in 246198 control chromosomes. The variant of interest has not, to our knowledge, been reported in affected individuals via publications and/or reputable databases/clinical diagnostic laboratories; nor evaluated for functional impact by in vivo/vitro studies. However, c.761C>A/p.Ser254* has been reported as pathogenic by one clinical laboratory. Taken together, this variant is classified as likely pathogenic.

CZECANCA consortium
Classification: Pathogenic for Uterine corpus cancer. Last evaluated: 2023-02-21. Review status: no assertion criteria provided. Collection method: clinical testing. Allele origin: germline. Affected: yes. Observed: 1 variant allele. Not counted in ClinVar's aggregate classification.

Literature cited by the submitters: PubMed 17200668 (cited by Labcorp Genetics (formerly Invitae), Labcorp); PubMed 17200671 (cited by Labcorp Genetics (formerly Invitae), Labcorp); PubMed 17200672 (cited by Labcorp Genetics (formerly Invitae), Labcorp); PubMed 24136930 (cited by Labcorp Genetics (formerly Invitae), Labcorp); PubMed 25099575 (cited by Labcorp Genetics (formerly Invitae), Labcorp).

NM_024675.4(PALB2):c.761C>G (p.Ser254Ter)

Gene: PALB2 (partner and localizer of BRCA2; minus strand). Cytogenetic location: 16p12.2.
Variant type: single nucleotide variant.
Coding change: c.761C>G on transcript NM_024675.4 (MANE Select); coding-DNA position 761, C replaced by G.
Protein change: p.Ser254Ter; replaces serine 254 with a stop codon.
Molecular consequence: nonsense.
Genome position (GRCh38, 1-based): chr16:23,635,785, G>C on the plus strand (C>G on the coding strand, the complement: PALB2 is on the minus strand). VCF-style: chr16-23635785-G-C. GRCh37 (hg19) VCF-style: chr16-23647106-G-C.
Other names: short protein forms S254*.
Identifiers: ClinVar variation 632930 (VCV000632930.11), dbSNP rs864622695, ClinGen allele CA395136152.
Genomic context (GRCh38, chr16:23,635,785, plus strand): 5'-GTAAGTTCACTGCTACCTTTAGGAGGAATGTGTTCAAGGTGCTGACTACTACCGCTATCT[G>C]ATAGAGTCTGTAAAGGAACTGTAGTCGCCCTGGTGAAATTAGGTCTTCTTAGGAATGTAT-3'